The following is an entry in ClinVar:

ClinVar aggregate classification (germline): Uncertain significance (1 of 4 stars; one submission).

Conditions:
Multiple endocrine neoplasia, type 1 (MEN1). Also called: MEN I; WERMER SYNDROME; Endocrine adenomatosis multiple; MEN 1; MEA I. Identifiers: Orphanet 652, MedGen C0025267, MeSH D018761, MONDO:0007540, OMIM 131100.

Allele frequency attached by ClinVar (database versions not stated): gnomAD exomes below 0.00001.
gnomAD v4.1: 1 of 1,614,132 alleles (0.000062%); highest among the groups gnomAD compares: Non-Finnish European, 0.000085%; no homozygotes.

Submission:

Labcorp Genetics (formerly Invitae), Labcorp
Classification: Uncertain significance for Multiple endocrine neoplasia, type 1. Last evaluated: 2021-02-27. Review status: criteria provided, single submitter. Criteria: Invitae Variant Classification Sherloc (09022015). Collection method: clinical testing. Allele origin: germline.
Comment: In summary, the available evidence is currently insufficient to determine the role of this variant in disease. Therefore, it has been classified as a Variant of Uncertain Significance. Advanced modeling of protein sequence and biophysical properties (such as structural, functional, and spatial information, amino acid conservation, physicochemical variation, residue mobility, and thermodynamic stability) performed at Invitae indicates that this missense variant is expected to disrupt MEN1 protein function. This variant has not been reported in the literature in individuals with MEN1-related conditions. This variant is not present in population databases (ExAC no frequency). This sequence change replaces glutamine with glutamic acid at codon 260 of the MEN1 protein (p.Gln260Glu). The glutamine residue is highly conserved and there is a small physicochemical difference between glutamine and glutamic acid.

NM_001370259.2(MEN1):c.778C>G (p.Gln260Glu)

Gene: MEN1 (menin 1; minus strand). Cytogenetic location: 11q13.1.
Variant type: single nucleotide variant.
Coding change: c.778C>G on transcript NM_001370259.2 (MANE Select); coding-DNA position 778, C replaced by G.
Protein change: p.Gln260Glu; replaces glutamine 260 with glutamic acid.
Molecular consequence: missense variant.
Genome position (GRCh38, 1-based): chr11:64,807,557, G>C on the plus strand (C>G on the coding strand, the complement: MEN1 is on the minus strand). VCF-style: chr11-64807557-G-C. GRCh37 (hg19) VCF-style: chr11-64575029-G-C.
Other names: c.673C>G, p.Gln225Glu (NM_001370263.2, NM_001370262.2); c.778C>G, p.Gln260Glu (NM_130799.3, NM_001370261.2, NM_001370251.2 and 1 more transcripts); c.793C>G, p.Gln265Glu (NM_130800.3, NM_130801.3, NM_130802.3 and 3 more transcripts); short protein forms Q260E, Q265E, Q225E.
Identifiers: ClinVar variation 1376045 (VCV001376045.8), dbSNP rs104894266, ClinGen allele CA381184137.